The following is an entry in ClinVar:

ClinVar aggregate classification (germline): Uncertain significance. Review status: criteria provided, multiple submitters, no conflicts (2 of 4 stars). 3 submissions from 3 submitters: Uncertain significance (3). Last evaluated 2024-01-23.

Conditions:
Hereditary cancer-predisposing syndrome. Also called: Hereditary Cancer Syndrome; Neoplastic Syndromes, Hereditary; Tumor predisposition; Hereditary neoplastic syndrome. Identifiers: Orphanet 140162, MedGen C0027672, MeSH D009386, MONDO:0015356.
Ataxia-telangiectasia syndrome (AT). Also called: Cerebello-oculocutaneous telangiectasia; Immunodeficiency with ataxia telangiectasia; Ataxia-telangiectasia, complementation group E; Ataxia-telangiectasia, complementation group D; AT, COMPLEMENTATION GROUP C; ATAXIA-TELANGIECTASIA, COMPLEMENTATION GROUP A. Identifiers: Orphanet 100, MedGen C0004135, MONDO:0008840, OMIM 208900.
Familial cancer of breast. Also called: BREAST CANCER, FAMILIAL; Hereditary breast cancer; hereditary breast carcinoma. Identifiers: Orphanet 227535, MedGen C0346153, MONDO:0016419, OMIM 114480. Disease mechanism: loss of function.

Submissions (3):

Baylor Genetics
Classification: Uncertain significance for Familial cancer of breast. Last evaluated: 2024-01-23. Review status: criteria provided, single submitter. Criteria: ACMG Guidelines, 2015. Collection method: clinical testing. Allele origin: unknown.

Color Diagnostics, LLC DBA Color Health
Classification: Uncertain significance for Hereditary cancer-predisposing syndrome. Last evaluated: 2023-12-05. Review status: criteria provided, single submitter. Criteria: ACMG Guidelines, 2015. Collection method: clinical testing. Allele origin: germline.
Comment: This missense variant replaces tyrosine with aspartic acid at codon 2371 of the ATM protein. Computational prediction suggests that this variant may not impact protein structure and function (internally defined REVEL score threshold <= 0.5, PMID: 27666373). To our knowledge, functional studies have not been reported for this variant. This variant has not been reported in individuals affected with ATM-related disorders in the literature. This variant has not been identified in the general population by the Genome Aggregation Database (gnomAD). The available evidence is insufficient to determine the role of this variant in disease conclusively. Therefore, this variant is classified as a Variant of Uncertain Significance.

Labcorp Genetics (formerly Invitae), Labcorp
Classification: Uncertain significance for Ataxia-telangiectasia syndrome. Last evaluated: 2022-08-27. Review status: criteria provided, single submitter. Criteria: Invitae Variant Classification Sherloc (09022015). Collection method: clinical testing. Allele origin: germline.
Comment: This variant is not present in population databases (gnomAD no frequency). In summary, the available evidence is currently insufficient to determine the role of this variant in disease. Therefore, it has been classified as a Variant of Uncertain Significance. Advanced modeling of protein sequence and biophysical properties (such as structural, functional, and spatial information, amino acid conservation, physicochemical variation, residue mobility, and thermodynamic stability) performed at Invitae indicates that this missense variant is not expected to disrupt ATM protein function. ClinVar contains an entry for this variant (Variation ID: 490689). This variant has not been reported in the literature in individuals affected with ATM-related conditions. This sequence change replaces tyrosine, which is neutral and polar, with aspartic acid, which is acidic and polar, at codon 2371 of the ATM protein (p.Tyr2371Asp).

NM_000051.4(ATM):c.7111T>G (p.Tyr2371Asp)

Genes: ATM (ATM serine/threonine kinase; plus strand), C11orf65 (chromosome 11 open reading frame 65; minus strand). Cytogenetic location: 11q22.3.
Variant type: single nucleotide variant.
Coding change: c.7111T>G on transcript NM_000051.4 (MANE Select); coding-DNA position 7111, T replaced by G.
Protein change: p.Tyr2371Asp; replaces tyrosine 2371 with aspartic acid.
Molecular consequence: missense variant. On other transcripts: intron variant (2).
Genome position (GRCh38, 1-based): chr11:108,329,042, T>G. VCF-style: chr11-108329042-T-G. GRCh37 (hg19) VCF-style: chr11-108199769-T-G.
Other names: c.7111T>G, p.Tyr2371Asp (NM_001351834.2); c.641-19971A>C (NM_001330368.2); c.*38+6178A>C (NM_001351110.2); short protein forms Y2371D.
Identifiers: ClinVar variation 490689 (VCV000490689.13), dbSNP rs1555121956, ClinGen allele CA382559419.